The following is an entry in ClinVar:

ClinVar aggregate classification (germline): Uncertain significance (1 of 4 stars; one submission).

Conditions:
Inborn genetic diseases. Identifiers: MedGen C0950123, MeSH D030342.

Allele frequency attached by ClinVar (database versions not stated): gnomAD 0.00001; TOPMed 0.00001.
gnomAD v4.1: 1 of 1,614,100 alleles (0.000062%); highest among the groups gnomAD compares: African/African-American, 0.0013%; no homozygotes.

Submission:

Ambry Genetics
Classification: Uncertain significance for Inborn genetic diseases. Last evaluated: 2022-02-15. Review status: criteria provided, single submitter. Criteria: Ambry Variant Classification Scheme 2023. Collection method: clinical testing. Allele origin: germline.
Comment: The p.N1004H variant (also known as c.3010A>C), located in coding exon 23 of the BUB1B gene, results from an A to C substitution at nucleotide position 3010. The asparagine at codon 1004 is replaced by histidine, an amino acid with similar properties. This amino acid position is conserved. In addition, this alteration is predicted to be tolerated by in silico analysis. Since supporting evidence is limited at this time, the clinical significance of this alteration remains unclear.

NM_001211.6(BUB1B):c.3010A>C (p.Asn1004His)

Genes: BUB1B (BUB1 mitotic checkpoint serine/threonine kinase B; plus strand), BUB1B-PAK6 (BUB1B-PAK6 readthrough; plus strand). Cytogenetic location: 15q15.1.
Variant type: single nucleotide variant.
Coding change: c.3010A>C on transcript NM_001211.6 (MANE Select); coding-DNA position 3010, A replaced by C.
Protein change: p.Asn1004His; replaces asparagine 1004 with histidine.
Molecular consequence: missense variant. On other transcripts: intron variant (2).
Genome position (GRCh38, 1-based): chr15:40,220,616, A>C. VCF-style: chr15-40220616-A-C. GRCh37 (hg19) VCF-style: chr15-40512817-A-C.
Other names: c.-201+2949A>C (NM_001128628.3); c.-118+2949A>C (NM_001128629.3); short protein forms N1004H.
Identifiers: ClinVar variation 1798808 (VCV001798808.2), dbSNP rs1290614214, ClinGen allele CA391689640.
Genomic context (GRCh38, chr15:40,220,616, plus strand): 5'-ATTTTTAGGCTAAAAGATGGTGAATTGTGGAATAAATTCTTTGTGCGGATTCTGAATGCC[A>C]ATGATGAGGCCACAGTGTCTGTTCTTGGGGAGCTTGCAGCAGAAATGAATGGGGTTTTTG-3'
Protein context (NP_001202.5, residues 994-1014): NKFFVRILNA[Asn1004His]DEATVSVLGE